The following is an entry in ClinVar:

NM_019032.6(ADAMTSL4):c.1325T>C (p.Leu442Pro)

Genes: ADAMTSL4 (ADAMTS like 4; plus strand), ADAMTSL4-AS2 (ADAMTSL4 antisense RNA 2; minus strand). Cytogenetic location: 1q21.2.
Variant type: single nucleotide variant.
Coding change: c.1325T>C on transcript NM_019032.6 (MANE Select); coding-DNA position 1325, T replaced by C.
Protein change: p.Leu442Pro; replaces leucine 442 with proline.
Molecular consequence: missense variant.
Genome position (GRCh38, 1-based): chr1:150,555,519, T>C. VCF-style: chr1-150555519-T-C. GRCh37 (hg19) VCF-style: chr1-150527995-T-C.
Other names: c.1394T>C, p.Leu465Pro (NM_001288607.2, NM_001288608.2); c.1325T>C, p.Leu442Pro (NM_001378596.1, NM_025008.5); short protein forms L442P, L465P.
Identifiers: ClinVar variation 2427818 (VCV002427818.4), dbSNP rs761011939, ClinGen allele CA1078224.

ClinVar aggregate classification (germline): Uncertain significance (1 of 4 stars; one submission).

Allele frequency attached by ClinVar (database versions not stated): gnomAD exomes below 0.00001; ExAC 0.00001; gnomAD 0.00001; TOPMed 0.00002.
gnomAD v4.1: 5 of 1,614,052 alleles (0.00031%); highest among the groups gnomAD compares: African/African-American, 0.0067%; no homozygotes.

Submission:

Labcorp Genetics (formerly Invitae), Labcorp
Classification: Uncertain significance. Last evaluated: 2022-09-19. Review status: criteria provided, single submitter. Criteria: Invitae Variant Classification Sherloc (09022015). Collection method: clinical testing. Allele origin: germline.
Comment: This sequence change replaces leucine, which is neutral and non-polar, with proline, which is neutral and non-polar, at codon 442 of the ADAMTSL4 protein (p.Leu442Pro). The frequency data for this variant in the population databases is considered unreliable, as metrics indicate poor data quality at this position in the gnomAD database. This variant has not been reported in the literature in individuals affected with ADAMTSL4-related conditions. Advanced modeling of protein sequence and biophysical properties (such as structural, functional, and spatial information, amino acid conservation, physicochemical variation, residue mobility, and thermodynamic stability) performed at Invitae indicates that this missense variant is not expected to disrupt ADAMTSL4 protein function. In summary, the available evidence is currently insufficient to determine the role of this variant in disease. Therefore, it has been classified as a Variant of Uncertain Significance.